The following is an entry in ClinVar:

NM_001254.4(CDC6):c.814A>C (p.Thr272Pro)

Gene: CDC6 (cell division cycle 6; plus strand). Cytogenetic location: 17q21.2.
Variant type: single nucleotide variant.
Coding change: c.814A>C on transcript NM_001254.4 (MANE Select); coding-DNA position 814, A replaced by C.
Protein change: p.Thr272Pro; replaces threonine 272 with proline.
Molecular consequence: missense variant.
Genome position (GRCh38, 1-based): chr17:40,293,609, A>C. VCF-style: chr17-40293609-A-C. GRCh37 (hg19) VCF-style: chr17-38449861-A-C.
Other names: short protein forms T272P.
Identifiers: ClinVar variation 2865259 (VCV002865259.3), dbSNP rs757400516, ClinGen allele CA8541962.

ClinVar aggregate classification (germline): Uncertain significance (1 of 4 stars; one submission).

Allele frequency attached by ClinVar (database versions not stated): gnomAD exomes 0.00001; ExAC 0.00002.
gnomAD v4.1: 5 of 1,613,504 alleles (0.00031%); highest among the groups gnomAD compares: Non-Finnish European, 0.00042%; no homozygotes.

Submission:

Labcorp Genetics (formerly Invitae), Labcorp
Classification: Uncertain significance. Last evaluated: 2023-12-15. Review status: criteria provided, single submitter. Criteria: Invitae Variant Classification Sherloc (09022015). Collection method: clinical testing. Allele origin: germline.
Comment: This sequence change replaces threonine, which is neutral and polar, with proline, which is neutral and non-polar, at codon 272 of the CDC6 protein (p.Thr272Pro). This variant is present in population databases (rs757400516, gnomAD 0.003%). This variant has not been reported in the literature in individuals affected with CDC6-related conditions. An algorithm developed to predict the effect of missense changes on protein structure and function (PolyPhen-2) suggests that this variant is likely to be disruptive. In summary, the available evidence is currently insufficient to determine the role of this variant in disease. Therefore, it has been classified as a Variant of Uncertain Significance.